The following is an entry in ClinVar:

ClinVar aggregate classification (germline): Uncertain significance. Review status: criteria provided, multiple submitters, no conflicts (2 of 4 stars). 2 submissions from 2 submitters: Uncertain significance (2). Last evaluated 2025-10-19.

Conditions:
Platelet-type bleeding disorder 16 (BDPLT16). Also called: Bleeding disorder, platelet-type, 16, autosomal dominant. Identifiers: Orphanet 140957, MedGen C5442010, MONDO:0008552, OMIM 187800.
Glanzmann thrombasthenia. Also called: Thrombasthenia; BLEEDING DISORDER, PLATELET-TYPE, 2; THROMBASTHENIA OF GLANZMANN AND NAEGELI; PLATELET GLYCOPROTEIN IIb-IIIa DEFICIENCY; Glanzmann's thrombasthenia. Identifiers: Orphanet 849, MedGen C0040015, MONDO:0100326.

Allele frequency attached by ClinVar (database versions not stated): ExAC 0.00002; gnomAD 0.00003; TOPMed 0.00003; gnomAD exomes 0.00005; ESP Exome Variant Server 0.00015.
gnomAD v4.1: 72 of 1,613,808 alleles (0.0045%); highest among the groups gnomAD compares: South Asian, 0.0055%; no homozygotes.

Submissions (2):

Labcorp Genetics (formerly Invitae), Labcorp
Classification: Uncertain significance for Glanzmann thrombasthenia. Last evaluated: 2025-10-19. Review status: criteria provided, single submitter. Criteria: Invitae Variant Classification Sherloc (09022015). Collection method: clinical testing. Allele origin: germline.
Comment: This sequence change replaces arginine, which is basic and polar, with cysteine, which is neutral and slightly polar, at codon 547 of the ITGA2B protein (p.Arg547Cys). This variant is present in population databases (rs372316950, gnomAD 0.005%). This variant has not been reported in the literature in individuals affected with ITGA2B-related conditions. ClinVar contains an entry for this variant (Variation ID: 2671686). Invitae Evidence Modeling of protein sequence and biophysical properties (such as structural, functional, and spatial information, amino acid conservation, physicochemical variation, residue mobility, and thermodynamic stability) indicates that this missense variant is expected to disrupt ITGA2B protein function with a positive predictive value of 95%. In summary, the available evidence is currently insufficient to determine the role of this variant in disease. Therefore, it has been classified as a Variant of Uncertain Significance.

Neuberg Centre For Genomic Medicine, NCGM
Classification: Uncertain significance for Platelet-type bleeding disorder 16. Last evaluated: 2023-03-01. Review status: criteria provided, single submitter. Criteria: ACMG Guidelines, 2015. Collection method: clinical testing. Allele origin: germline. Inheritance: Autosomal dominant inheritance. Affected: yes.
Comment: The missense variant c.1639C>T(p.Arg547Cys) in ITGA2B gene has not been reported previously as a pathogenic variant nor as a benign variant, to our knowledge. The variant has 0.003% allele frequency in gnomAD Exomes and is novel (not in any individuals) in 1000 Genomes. The amino acid Arginine at position 547 is changed to a Cysteine changing protein sequence and it might alter its composition and physico-chemical properties. The variant is predicted to be damaging by SIFT. The amino acid change p.Arg547Cys in ITGA2B is predicted as conserved by GERP++ and PhyloP across 100 vertebrates. For these reasons, this variant has been classified as Uncertain Significance.

NM_000419.5(ITGA2B):c.1639C>T (p.Arg547Cys)

Gene: ITGA2B (integrin subunit alpha 2b; minus strand). Cytogenetic location: 17q21.31.
Variant type: single nucleotide variant.
Coding change: c.1639C>T on transcript NM_000419.5 (MANE Select); coding-DNA position 1639, C replaced by T.
Protein change: p.Arg547Cys; replaces arginine 547 with cysteine.
Molecular consequence: missense variant.
Genome position (GRCh38, 1-based): chr17:44,380,115, G>A on the plus strand (C>T on the coding strand, the complement: ITGA2B is on the minus strand). VCF-style: chr17-44380115-G-A. GRCh37 (hg19) VCF-style: chr17-42457483-G-A.
Other names: short protein forms R547C.
Identifiers: ClinVar variation 2671686 (VCV002671686.4), dbSNP rs372316950, ClinGen allele CA8602991.
Genomic context (GRCh38, chr17:44,380,115, plus strand): 5'-CCAGGTTCAGGGTGGTGCCTGCCTGTTGAGAGCCCAGCAGCAGCACCCGCCGGCCCTGGC[G>A]GGGCTTCTGCCGGTCCAGCTGCAGCTCGGCATTTAGGGCTGGCAGGGCAAGCAGAAGAGT-3'
Protein context (NP_000410.2, residues 537-557): AELQLDRQKP[Arg547Cys]QGRRVLLLGS